The following is an entry in ClinVar:

ClinVar aggregate classification (germline): Uncertain significance (1 of 4 stars; one submission).

Conditions:
Ataxia-telangiectasia-like disorder (ATLD). Identifiers: MedGen C1858391, MONDO:0011457.

Submission:

Labcorp Genetics (formerly Invitae), Labcorp
Classification: Uncertain significance for Ataxia-telangiectasia-like disorder. Last evaluated: 2023-06-27. Review status: criteria provided, single submitter. Criteria: Invitae Variant Classification Sherloc (09022015). Collection method: clinical testing. Allele origin: germline.
Comment: This sequence change replaces glycine, which is neutral and non-polar, with serine, which is neutral and polar, at codon 244 of the MRE11 protein (p.Gly244Ser). This variant is not present in population databases (gnomAD no frequency). This variant has not been reported in the literature in individuals affected with MRE11-related conditions. An algorithm developed to predict the effect of missense changes on protein structure and function (PolyPhen-2) suggests that this variant is likely to be disruptive. In summary, the available evidence is currently insufficient to determine the role of this variant in disease. Therefore, it has been classified as a Variant of Uncertain Significance.

NM_005591.4(MRE11):c.730G>A (p.Gly244Ser)

Gene: MRE11 (MRE11 double strand break repair nuclease; minus strand). Cytogenetic location: 11q21.
Variant type: single nucleotide variant.
Coding change: c.730G>A on transcript NM_005591.4 (MANE Select); coding-DNA position 730, G replaced by A.
Protein change: p.Gly244Ser; replaces glycine 244 with serine.
Molecular consequence: missense variant.
Genome position (GRCh38, 1-based): chr11:94,471,689, C>T on the plus strand (G>A on the coding strand, the complement: MRE11 is on the minus strand). VCF-style: chr11-94471689-C-T. GRCh37 (hg19) VCF-style: chr11-94204855-C-T.
Other names: c.730G>A, p.Gly244Ser (NM_001330347.2, NM_005590.4); short protein forms G244S.
Identifiers: ClinVar variation 2898799 (VCV002898799.3), dbSNP rs2496496796, ClinGen allele CA382375806.
Genomic context (GRCh38, chr11:94,471,689, plus strand): 5'-AGATATAAAACAGCTGTTGTTCATTTTTGGTTGGAGCTATTTTACACTCATGTTCATGGC[C>T]CCAGATAACAAGATCAATGAAGTCATCCAAAAATTGTTCTGGAATGAAGTTAGTACTTCC-3'
Protein context (NP_005582.1, residues 234-254): LDDFIDLVIW[Gly244Ser]HEHECKIAPT